The following is an entry in ClinVar:

NM_000540.3(RYR1):c.10176G>A (p.Leu3392=)

Gene: RYR1 (ryanodine receptor 1; plus strand). Cytogenetic location: 19q13.2.
Variant type: single nucleotide variant.
Coding change: c.10176G>A on transcript NM_000540.3 (MANE Select); coding-DNA position 10176, G replaced by A.
Protein change: p.Leu3392=; no amino-acid change (leucine 3392 retained).
Molecular consequence: synonymous variant.
Genome position (GRCh38, 1-based): chr19:38,519,371, G>A. VCF-style: chr19-38519371-G-A. GRCh37 (hg19) VCF-style: chr19-39010011-G-A.
Other names: c.10176G>A, p.Leu3392= (NM_001042723.2).
Identifiers: ClinVar variation 1630378 (VCV001630378.9), dbSNP rs1318647248, ClinGen allele CA079743.

ClinVar aggregate classification (germline): Likely benign. Review status: criteria provided, multiple submitters, no conflicts (2 of 4 stars). 2 submissions from 2 submitters: Likely benign (2). Last evaluated 2024-07-20.

Conditions:
Malignant hyperthermia, susceptibility to, 1 (MHS1). Also called: Malignant hyperthermia suceptibility 1; RYR1-Related Malignant Hyperthermia Susceptibility; Anesthesia related hyperthermia; Malignant hyperpyrexia; Fulminating hyperpyrexia; Pharmacogenic myopathy. Identifiers: Orphanet 423, MedGen C2930980, MONDO:0007783, OMIM 145600.
RYR1-related disorder. Also called: RYR1-related condition; RYR1-related disorders. Identifiers: MedGen CN239331.

Allele frequency attached by ClinVar (database versions not stated): gnomAD exomes below 0.00001 and 0.00001; TOPMed below 0.00001.
gnomAD v4.1: 7 of 1,608,694 alleles (0.00044%); highest among the groups gnomAD compares: Non-Finnish European, 0.00059%; no homozygotes.

Submissions (2):

All of Us Research Program, National Institutes of Health
Classification: Likely benign for Malignant hyperthermia, susceptibility to, 1. Last evaluated: 2024-07-20. Review status: criteria provided, single submitter. Criteria: ACMG Guidelines, 2015. Collection method: clinical testing. Allele origin: germline. Inheritance: Autosomal dominant inheritance. Observed: 1 variant allele, 1 heterozygote.
Comment: This study involves interpretation of variants in research participants for the purpose of population health screening. Participant phenotype was not available at the time of variant classification. Additional details can be found in publication PMID: 35346344, PMCID: PMC8962531

Labcorp Genetics (formerly Invitae), Labcorp
Classification: Likely benign for RYR1-related disorder. Last evaluated: 2021-06-23. Review status: criteria provided, single submitter. Criteria: Invitae Variant Classification Sherloc (09022015). Collection method: clinical testing. Allele origin: germline.